The following is an entry in ClinVar:

NM_058004.4(PI4KA):c.735C>A (p.Val245=)

Gene: PI4KA (phosphatidylinositol 4-kinase alpha; minus strand). Cytogenetic location: 22q11.21.
Variant type: single nucleotide variant.
Coding change: c.735C>A on transcript NM_058004.4 (MANE Select); coding-DNA position 735, C replaced by A.
Protein change: p.Val245=; no amino-acid change (valine 245 retained).
Molecular consequence: synonymous variant.
Genome position (GRCh38, 1-based): chr22:20,819,695, G>T on the plus strand (C>A on the coding strand, the complement: PI4KA is on the minus strand). VCF-style: chr22-20819695-G-T. GRCh37 (hg19) VCF-style: chr22-21173983-G-T.
Other names: c.735C>A, p.Val245= (NM_001362862.2, NM_001362863.2).
Identifiers: ClinVar variation 3348345 (VCV003348345.1).

ClinVar aggregate classification (germline): Likely benign (0 of 4 stars; one submission).

Conditions:
PI4KA-related disorder. Also called: PI4KA-related condition; PI4KA-related disorders. Identifiers: MedGen CN378147, MONDO:1040012.

gnomAD v4.1: 26 of 1,613,936 alleles (0.0016%); highest among the groups gnomAD compares: Non-Finnish European, 0.0022%; no homozygotes.

Submission:

PreventionGenetics, part of Exact Sciences
Classification: Likely benign for PI4KA-related condition. Last evaluated: 2024-05-09. Review status: no assertion criteria provided. Collection method: clinical testing. Allele origin: germline.
Comment: This variant is classified as likely benign based on ACMG/AMP sequence variant interpretation guidelines (Richards et al. 2015 PMID: 25741868, with internal and published modifications).